The following is an entry in ClinVar:

ClinVar aggregate classification (germline): Uncertain significance. Review status: criteria provided, multiple submitters, no conflicts (2 of 4 stars). 2 submissions from 2 submitters: Uncertain significance (2). Last evaluated 2025-07-10.

Conditions:
Hereditary spastic paraplegia 30. Identifiers: Orphanet 101010, MedGen C5235139, MONDO:0012476.
Neuropathy, hereditary sensory, type 2C. Also called: Hereditary sensory and autonomic neuropathy type IIC; KIF1A-Related HSAN2 (HSAN2C). Identifiers: Orphanet 970, MedGen C3280168, MONDO:0013634, OMIM 614213.
Intellectual disability, autosomal dominant 9 (NESCAVS). Also called: NESCAV SYNDROME; KIF1A-Related Neurodevelopmental Disorder. Identifiers: Orphanet 662367, MedGen C5393830, MONDO:0013656, OMIM 614255.
Inborn genetic diseases. Identifiers: MedGen C0950123, MeSH D030342.

Submissions (2):

Ambry Genetics
Classification: Uncertain significance for Inborn genetic diseases. Last evaluated: 2025-07-10. Review status: criteria provided, single submitter. Criteria: Ambry Variant Classification Scheme 2023. Collection method: clinical testing. Allele origin: germline.
Comment: The c.4072G>A (p.E1358K) alteration is located in exon 40 (coding exon 39) of the KIF1A gene. This alteration results from a G to A substitution at nucleotide position 4072, causing the glutamic acid (E) at amino acid position 1358 to be replaced by a lysine (K). This variant was not reported in population-based cohorts in the Genome Aggregation Database (gnomAD). This amino acid position is highly conserved in available vertebrate species. This missense alteration is located in a region that has a low rate of benign missense variation (Lek, 2016; Firth, 2009). This alteration is predicted to be deleterious by in silico analysis. Based on insufficient or conflicting evidence, the clinical significance of this alteration remains unclear.

Labcorp Genetics (formerly Invitae), Labcorp
Classification: Uncertain significance for Hereditary spastic paraplegia 30; Neuropathy, hereditary sensory, type 2C; Intellectual disability, autosomal dominant 9. Last evaluated: 2019-01-15. Review status: criteria provided, single submitter. Criteria: Invitae Variant Classification Sherloc (09022015). Collection method: clinical testing. Allele origin: germline.
Comment: This sequence change replaces glutamic acid with lysine at codon 1358 of the KIF1A protein (p.Glu1358Lys). The glutamic acid residue is highly conserved and there is a small physicochemical difference between glutamic acid and lysine. This variant is not present in population databases (ExAC no frequency). This variant has not been reported in the literature in individuals with KIF1A-related conditions. Algorithms developed to predict the effect of missense changes on protein structure and function are either unavailable or do not agree on the potential impact of this missense change (SIFT: "Deleterious"; PolyPhen-2: "Possibly Damaging"; Align-GVGD: "Class C0"). In summary, the available evidence is currently insufficient to determine the role of this variant in disease. Therefore, it has been classified as a Variant of Uncertain Significance.

NM_001244008.2(KIF1A):c.4375G>A (p.Glu1459Lys)

Gene: KIF1A (kinesin family member 1A; minus strand). Cytogenetic location: 2q37.3.
Variant type: single nucleotide variant.
Coding change: c.4375G>A on transcript NM_001244008.2 (MANE Select); coding-DNA position 4375, G replaced by A.
Protein change: p.Glu1459Lys; replaces glutamic acid 1459 with lysine.
Molecular consequence: missense variant.
Genome position (GRCh38, 1-based): chr2:240,723,502, C>T on the plus strand (G>A on the coding strand, the complement: KIF1A is on the minus strand). VCF-style: chr2-240723502-C-T. GRCh37 (hg19) VCF-style: chr2-241662919-C-T.
Other names: c.4072G>A (NM_004321.5); c.4099G>A, p.Glu1367Lys (NM_001320705.2, NM_001379649.1); c.4126G>A, p.Glu1376Lys (NM_001330289.2); c.4174G>A, p.Glu1392Lys (NM_001330290.2, NM_001379648.1); c.4450G>A, p.Glu1484Lys (NM_001379631.1); c.4351G>A, p.Glu1451Lys (NM_001379632.1); c.4348G>A, p.Glu1450Lys (NM_001379633.1, NM_001379645.1); c.4201G>A, p.Glu1401Lys (NM_001379634.1); and 8 more; short protein forms E1376K, E1367K, E1459K, E1358K, E1392K, E1366K, E1401K, E1484K.
Identifiers: ClinVar variation 841296 (VCV000841296.11), dbSNP rs2045644019, ClinGen allele CA351305392.